The following is an entry in ClinVar:

NM_001710.6(CFB):c.94_95delinsTA (p.Arg32Ter)

Gene: CFB (complement factor B; plus strand). Cytogenetic location: 6p21.33.
Variant type: Indel.
Coding change: c.94_95delinsTA on transcript NM_001710.6 (MANE Select); coding-DNA positions 94 to 95, CG replaced by TA.
Protein change: p.Arg32Ter; replaces arginine 32 with a stop codon.
Molecular consequence: nonsense.
Genome position (GRCh38, 1-based): chr6:31,946,402-31,946,403, CG replaced by TA. VCF-style: chr6-31946402-CG-TA. GRCh37 (hg19) VCF-style: chr6-31914179-CG-TA.
Other names: short protein forms R32*.
Identifiers: ClinVar variation 4280417 (VCV004280417.1).
Genomic context (GRCh38, chr6:31,946,402, plus strand): 5'-GGGGCCAGGCTTCATCAGCCTTTCTCTTCAGGTGTGACCACCACTCCATGGTCTTTGGCC[CG>TA]GCCCCAGGGATCCTGCTCTCTGGAGGGGGTAGAGATCAAAGGCGGCTCCTTCCGACTTCT-3'

ClinVar aggregate classification (germline): Uncertain significance (1 of 4 stars; one submission).

Conditions:
Atypical hemolytic-uremic syndrome. Identifiers: Orphanet 2134, MedGen C2931788, MONDO:0016244.

Submission:

Genomenon, Inc
Classification: Uncertain significance for Atypical hemolytic-uremic syndrome. Last evaluated: 2025-09-26. Review status: criteria provided, single submitter. Criteria: Genomenon Sequence Variant Interpretation Standards - Updated. Collection method: curation. Allele origin: germline. Affected: no.
Comment: CFB p.Arg32Ter (c.94_95delinsTA) is a nonsense variant that introduces a premature stop codon at amino acid position 32, creating a truncated protein. This variant has been reported in the published literature (PMID:37588055). It is absent or not present at a significant frequency in gnomAD. In conclusion, we classify CFB p.Arg32Ter (c.94_95delinsTA) as a variant of uncertain significance.

Literature cited by the submitters: PubMed 37588055.